The following is an entry in ClinVar:

NM_000089.4(COL1A2):c.793G>A (p.Gly265Ser)

Gene: COL1A2 (collagen type I alpha 2 chain; plus strand). Cytogenetic location: 7q21.3.
Variant type: single nucleotide variant.
Coding change: c.793G>A on transcript NM_000089.4 (MANE Select); coding-DNA position 793, G replaced by A.
Protein change: p.Gly265Ser; replaces glycine 265 with serine.
Molecular consequence: missense variant.
Genome position (GRCh38, 1-based): chr7:94,409,322, G>A. VCF-style: chr7-94409322-G-A. GRCh37 (hg19) VCF-style: chr7-94038634-G-A.
Other names: short protein forms G265S.
Identifiers: ClinVar variation 4786048 (VCV004786048.1).

ClinVar aggregate classification (germline): Pathogenic (1 of 4 stars; one submission).

Conditions:
Ehlers-Danlos syndrome, classic type, 1 (EDSCL1). Also called: EHLERS-DANLOS SYNDROME, GRAVIS TYPE; EHLERS-DANLOS SYNDROME, SEVERE CLASSIC TYPE; Ehlers-Danlos syndrome, type 1; Ehlers-Danlos Syndrome, Classic Type, COL5A1-Related; EDS I. Identifiers: MedGen C0268335, MONDO:0019567, OMIM 130000.
Osteogenesis imperfecta type I (OI1). Also called: OI, TYPE I; OSTEOGENESIS IMPERFECTA TARDA; OSTEOGENESIS IMPERFECTA WITH BLUE SCLERAE; Osteogenesis imperfecta type 1; Lobstein's Disease; Lobstein disease. Identifiers: Orphanet 216796, Orphanet 666, MedGen C0023931, MONDO:0008146, OMIM 166200. Disease mechanism: loss of function.

gnomAD v4.1: 2 of 1,613,866 alleles (0.00012%); highest among the groups gnomAD compares: Non-Finnish European, 0.000085%; no homozygotes.

Submission:

Labcorp Genetics (formerly Invitae), Labcorp
Classification: Pathogenic for Osteogenesis imperfecta type I; Ehlers-Danlos syndrome, classic type, 1. Last evaluated: 2025-09-03. Review status: criteria provided, single submitter. Criteria: Invitae Variant Classification Sherloc (09022015). Collection method: clinical testing. Allele origin: germline.
Comment: This sequence change replaces glycine, which is neutral and non-polar, with serine, which is neutral and polar, at codon 265 of the COL1A2 protein (p.Gly265Ser). This variant is present in population databases (no rsID available, gnomAD 0.03%). This variant has not been reported in the literature in individuals affected with COL1A2-related conditions. Experimental studies and prediction algorithms are not available or were not evaluated, and the functional significance of this variant is currently unknown. This variant disrupts the triple helix domain of COL1A2. Glycine residues within the Gly-Xaa-Yaa repeats of the triple helix domain are required for the structure and stability of fibrillar collagens (PMID: 7695699, 8218237, 19344236). In COL1A2, variants affecting these glycine residues are significantly enriched in individuals with disease (PMID: 9016532, 17078022) compared to the general population (ExAC). This variant disrupts the p.Gly265 amino acid residue in COL1A2. Other variant(s) that disrupt this residue have been observed in individuals with COL1A2-related conditions (PMID: 26177859, 27509835; internal data), which suggests that this may be a clinically significant amino acid residue. For these reasons, this variant has been classified as Pathogenic.

Literature cited by the submitters: PubMed 7695699; PubMed 8218237; PubMed 19344236; PubMed 9016532; PubMed 17078022; PubMed 26177859; PubMed 27509835.